The following is an entry in ClinVar:

NM_199420.4(POLQ):c.4715A>G (p.Asn1572Ser)

Gene: POLQ (DNA polymerase theta; minus strand). Cytogenetic location: 3q13.33.
Variant type: single nucleotide variant.
Coding change: c.4715A>G on transcript NM_199420.4 (MANE Select); coding-DNA position 4715, A replaced by G.
Protein change: p.Asn1572Ser; replaces asparagine 1572 with serine.
Molecular consequence: missense variant.
Genome position (GRCh38, 1-based): chr3:121,488,216, T>C on the plus strand (A>G on the coding strand, the complement: POLQ is on the minus strand). VCF-style: chr3-121488216-T-C. GRCh37 (hg19) VCF-style: chr3-121207063-T-C.
Other names: short protein forms N1572S.
Identifiers: ClinVar variation 1742610 (VCV001742610.2), dbSNP rs1474016212, ClinGen allele CA354094086.
Genomic context (GRCh38, chr3:121,488,216, plus strand): 5'-TCTAATGCTCTAGGAGATACTACAGTATGATTCTTCTCTTGGACAGGAAATATATCCACA[T>C]TGTCCAAAGCTTCAACCATCTGAACAGAATCCATTTCTGAAAATATAATAGATTCATCAT-3'
Protein context (NP_955452.3, residues 1562-1582): DSVQMVEALD[Asn1572Ser]VDIFPVQEKN

ClinVar aggregate classification (germline): Uncertain significance (1 of 4 stars; one submission).

Allele frequency attached by ClinVar (database versions not stated): TOPMed below 0.00001; gnomAD 0.00001.
gnomAD v4.1: 1 of 1,613,376 alleles (0.000062%); highest among the groups gnomAD compares: African/African-American, 0.0013%; no homozygotes.

Submission:

Ambry Genetics
Classification: Uncertain significance. Last evaluated: 2022-04-12. Review status: criteria provided, single submitter. Criteria: Ambry Variant Classification Scheme 2023. Collection method: clinical testing. Allele origin: germline.
Comment: The p.N1572S variant (also known as c.4715A>G), located in coding exon 16 of the POLQ gene, results from an A to G substitution at nucleotide position 4715. The asparagine at codon 1572 is replaced by serine, an amino acid with highly similar properties. This amino acid position is conserved. In addition, this alteration is predicted to be tolerated by in silico analysis. Since supporting evidence is limited at this time, the clinical significance of this alteration remains unclear.